The following is an entry in ClinVar:

NM_005802.5(TOPORS):c.2038AGA[1] (p.Arg681del)

Gene: TOPORS (TOP1 binding arginine/serine rich protein, E3 ubiquitin ligase; minus strand). Cytogenetic location: 9p21.1.
Variant type: Microsatellite.
Coding change: c.2038AGA[1] on transcript NM_005802.5 (MANE Select); one copy of the 3-base unit AGA starting at c.2038; the reference has two copies in a row; one copy, 3 bases deleted.
Protein change: p.Arg681del; deletes arginine 681.
Molecular consequence: inframe deletion.
Genome position (GRCh38, 1-based): chr9:32,542,482-32,542,484, TCT deleted on the plus strand (AGA on the coding strand, the reverse complement: TOPORS is on the minus strand); deleting any 3 consecutive bases within chr9:32,542,482-32,542,488 gives the same sequence; the position shown is the placement nearest the transcript's 3' end. VCF-style (leftmost placement, unchanged base first): chr9-32542481-ATCT-A. GRCh37 (hg19) VCF-style: chr9-32542479-ATCT-A.
Other names: c.1843AGA[1], p.Arg616del (NM_001195622.2); short protein forms R616del, R681del.
Identifiers: ClinVar variation 1065723 (VCV001065723.6), dbSNP rs1467439518, ClinGen allele CA587565220.
Genomic context (GRCh38, chr9:32,542,481, plus strand): 5'-ATTTGTATCTGCTTCCATAATTATTTCTTAAATAATAACGATCTCTATTTCTGCTCCGTG[ATCT>A]TCTTTTACCATGATCACTGCTACGAGACCTTGATCTGCTTGTGCTTTCACTACTTAGAGA-3'

ClinVar aggregate classification (germline): Uncertain significance. Review status: criteria provided, multiple submitters, no conflicts (2 of 4 stars). 2 submissions from 2 submitters: Uncertain significance (2). Last evaluated 2025-06-02.

Conditions:
Retinitis pigmentosa 31 (RP31). Identifiers: Orphanet 791, MedGen C1835923, MONDO:0012367, OMIM 609923.

Submissions (2):

Labcorp Genetics (formerly Invitae), Labcorp
Classification: Uncertain significance. Last evaluated: 2025-06-02. Review status: criteria provided, single submitter. Criteria: Invitae Variant Classification Sherloc (09022015). Collection method: clinical testing. Allele origin: germline.
Comment: This variant, c.2041_2043del, results in the deletion of 1 amino acid(s) of the TOPORS protein (p.Arg681del), but otherwise preserves the integrity of the reading frame. This variant is present in population databases (no rsID available, gnomAD 0.005%). This variant has been observed in individual(s) with inherited retinal dystrophy (PMID: 34906470). ClinVar contains an entry for this variant (Variation ID: 1065723). Experimental studies and prediction algorithms are not available or were not evaluated, and the functional significance of this variant is currently unknown. In summary, the available evidence is currently insufficient to determine the role of this variant in disease. Therefore, it has been classified as a Variant of Uncertain Significance.

Ocular Genomics Institute, Massachusetts Eye and Ear
Classification: Uncertain significance for Retinitis pigmentosa 31. Last evaluated: 2021-04-08. Review status: criteria provided, single submitter. Criteria: ACMG Guidelines, 2015. Collection method: research. Allele origin: germline. Affected: yes.
Comment: Through a review of available evidence we were able to apply the following criteria: PM2. Based on this evidence we have classified this variant as Variant of Uncertain Significance.

Literature cited by the submitters: PubMed 34906470 (cited by Labcorp Genetics (formerly Invitae), Labcorp).